The following is an entry in ClinVar:

ClinVar aggregate classification (germline): Uncertain significance (1 of 4 stars; one submission).

Submission:

Dasa
Classification: Uncertain significance. Last evaluated: 2026-03-24. Review status: criteria provided, single submitter. Criteria: DASA Assertion Criteria. Collection method: clinical testing. Allele origin: germline.
Comment: NM_001330700.2(TOP2B):c.462G>T (p.Glu154Asp) is a missense variant that results in the substitution of glutamic acid with aspartic acid. This variant is rare in population databases. The currently available literature and clinical evidence are not sufficient to establish a definitive association between this variant and the reported condition. Therefore, this variant is classified as a variant of uncertain significance.

NM_001330700.2(TOP2B):c.462G>T (p.Glu154Asp)

Gene: TOP2B (DNA topoisomerase II beta; minus strand). Cytogenetic location: 3p24.2.
Variant type: single nucleotide variant.
Coding change: c.462G>T on transcript NM_001330700.2 (MANE Select); coding-DNA position 462, G replaced by T.
Protein change: p.Glu154Asp; replaces glutamic acid 154 with aspartic acid.
Molecular consequence: missense variant.
Genome position (GRCh38, 1-based): chr3:25,638,244, C>A on the plus strand (G>T on the coding strand, the complement: TOP2B is on the minus strand). VCF-style: chr3-25638244-C-A. GRCh37 (hg19) VCF-style: chr3-25679735-C-A.
Other names: c.447G>T, p.Glu149Asp (NM_001068.3); short protein forms E149D, E154D.
Identifiers: ClinVar variation 4885456 (VCV004885456.2).